The following is an entry in ClinVar:

ClinVar aggregate classification (germline): Likely benign. Review status: criteria provided, multiple submitters, no conflicts (2 of 4 stars). 5 submissions from 5 submitters: Likely benign (4). 1 of the submissions does not count toward it. Last evaluated 2025-11-21.

Conditions:
FGFR3-related disorder. Also called: FGFR3-related disorders.

Allele frequency attached by ClinVar (database versions not stated): 1000 Genomes Project 0.00020; ESP Exome Variant Server 0.00023; 1000 Genomes Project 30x 0.00031.
gnomAD v4.1: 511 of 1,612,588 alleles (0.032%); highest among the groups gnomAD compares: Non-Finnish European, 0.04%; no homozygotes.

Submissions (5):

Labcorp Genetics (formerly Invitae), Labcorp
Classification: Likely benign. Last evaluated: 2025-11-21. Review status: criteria provided, single submitter. Criteria: Invitae Variant Classification Sherloc (09022015). Collection method: clinical testing. Allele origin: germline.

Blueprint Genetics
Classification: Likely benign. Last evaluated: 2024-05-21. Review status: criteria provided, single submitter. Criteria: ACMG Guidelines, 2015. Collection method: clinical testing. Allele origin: germline.

GeneDx
Classification: Likely benign. Last evaluated: 2020-12-03. Review status: criteria provided, single submitter. Criteria: GeneDx Variant Classification Process June 2021. Collection method: clinical testing. Allele origin: germline. Affected: yes.

Breakthrough Genomics
Classification: Likely benign. Review status: criteria provided, single submitter. Criteria: ACMG Guidelines, 2015. Collection method: not provided. Allele origin: germline. Inheritance: Autosomal dominant inheritance. Affected: yes.

PreventionGenetics, part of Exact Sciences
Classification: Likely benign for FGFR3-related condition. Last evaluated: 2019-02-28. Review status: no assertion criteria provided. Collection method: clinical testing. Allele origin: germline. Not counted in ClinVar's aggregate classification.
Comment: This variant is classified as likely benign based on ACMG/AMP sequence variant interpretation guidelines (Richards et al. 2015 PMID: 25741868, with internal and published modifications).

NM_000142.5(FGFR3):c.189G>A (p.Pro63=)

Gene: FGFR3 (fibroblast growth factor receptor 3; plus strand). Cytogenetic location: 4p16.3.
Variant type: single nucleotide variant.
Coding change: c.189G>A on transcript NM_000142.5 (MANE Select); coding-DNA position 189, G replaced by A.
Protein change: p.Pro63=; no amino-acid change (proline 63 retained).
Molecular consequence: synonymous variant. On other transcripts: non-coding transcript variant (1).
Genome position (GRCh38, 1-based): chr4:1,799,333, G>A. VCF-style: chr4-1799333-G-A. GRCh37 (hg19) VCF-style: chr4-1801060-G-A.
Other names: c.189G>A, p.Pro63= (NM_001163213.2, NM_001354809.2, NM_001354810.2 and 1 more transcripts).
Identifiers: ClinVar variation 1187885 (VCV001187885.14), dbSNP rs140377760, ClinGen allele CA2809740.